The following is an entry in ClinVar:

NM_032776.3(JMJD1C):c.1703A>T (p.Asp568Val)

Gene: JMJD1C (jumonji domain containing 1C; minus strand). Cytogenetic location: 10q21.3.
Variant type: single nucleotide variant.
Coding change: c.1703A>T on transcript NM_032776.3 (MANE Select); coding-DNA position 1703, A replaced by T.
Protein change: p.Asp568Val; replaces aspartic acid 568 with valine.
Molecular consequence: missense variant. On other transcripts: non-coding transcript variant (1).
Genome position (GRCh38, 1-based): chr10:63,214,464, T>A on the plus strand (A>T on the coding strand, the complement: JMJD1C is on the minus strand). VCF-style: chr10-63214464-T-A. GRCh37 (hg19) VCF-style: chr10-64974224-T-A.
Other names: c.1157A>T, p.Asp386Val (NM_001282948.2, NM_001318154.2); c.839A>T, p.Asp280Val (NM_001318153.2); c.1589A>T, p.Asp530Val (NM_001322252.2); c.1046A>T, p.Asp349Val (NM_001322254.2, NM_001322258.2); short protein forms D568V, D280V, D349V, D386V, D530V.
Identifiers: ClinVar variation 460224 (VCV000460224.27), dbSNP rs201464655, ClinGen allele CA5518764.

ClinVar aggregate classification (germline): Likely benign. Review status: criteria provided, multiple submitters, no conflicts (2 of 4 stars). 4 submissions from 4 submitters: Likely benign (4). Last evaluated 2026-05-30.

Conditions:
JMJD1C-related disorder. Also called: JMJD1C-related condition.
Early Myoclonic Encephalopathy. Identifiers: MedGen C0270855.

Allele frequency attached by ClinVar (database versions not stated): 1000 Genomes Project 30x 0.00016; 1000 Genomes Project 0.00020; gnomAD 0.00041; TOPMed 0.00111; ESP Exome Variant Server 0.00126.
gnomAD v4.1: 2,463 of 1,614,010 alleles (0.15%); highest among the groups gnomAD compares: Non-Finnish European, 0.19%; 3 homozygotes.

Submissions (4):

PreventionGenetics, part of Exact Sciences
Classification: Likely benign for JMJD1C-related condition. Last evaluated: 2026-05-30. Review status: criteria provided, single submitter. Criteria: ACMG Guidelines, 2015. Collection method: clinical testing. Allele origin: germline.
Comment: This variant is classified as likely benign based on ACMG/AMP sequence variant interpretation guidelines (Richards et al. 2015 PMID: 25741868, with internal and published modifications).

Labcorp Genetics (formerly Invitae), Labcorp
Classification: Likely benign for Early Myoclonic Encephalopathy. Last evaluated: 2025-11-12. Review status: criteria provided, single submitter. Criteria: Invitae Variant Classification Sherloc (09022015). Collection method: clinical testing. Allele origin: germline.

CeGaT Center for Human Genetics Tuebingen
Classification: Likely benign. Last evaluated: 2024-09-01. Review status: criteria provided, single submitter. Criteria: CeGaT Center For Human Genetics Tuebingen Variant Classification Criteria Version 2. Collection method: clinical testing. Allele origin: germline. Affected: yes. Observed: 1 variant allele.
Comment: JMJD1C: BP4, BS2

Breakthrough Genomics
Classification: Likely benign. Review status: criteria provided, single submitter. Criteria: ACMG Guidelines, 2015. Collection method: not provided. Allele origin: germline. Inheritance: Unknown mechanism. Affected: yes.